The following is an entry in ClinVar:

NM_000435.3(NOTCH3):c.1676G>A (p.Cys559Tyr)

Gene: NOTCH3 (notch receptor 3; minus strand). Cytogenetic location: 19p13.12.
Variant type: single nucleotide variant.
Coding change: c.1676G>A on transcript NM_000435.3 (MANE Select); coding-DNA position 1676, G replaced by A.
Protein change: p.Cys559Tyr; replaces cysteine 559 with tyrosine.
Molecular consequence: missense variant.
Genome position (GRCh38, 1-based): chr19:15,187,269, C>T on the plus strand (G>A on the coding strand, the complement: NOTCH3 is on the minus strand). VCF-style: chr19-15187269-C-T. GRCh37 (hg19) VCF-style: chr19-15298080-C-T.
Other names: short protein forms C559Y.
Identifiers: ClinVar variation 1678547 (VCV001678547.3), dbSNP rs2145433195, ClinGen allele CA404525926.

ClinVar aggregate classification (germline): Likely pathogenic. Review status: criteria provided, multiple submitters, no conflicts (2 of 4 stars). 2 submissions from 2 submitters: Likely pathogenic (2). Last evaluated 2024-06-12.

Conditions:
Cerebral arteriopathy, autosomal dominant, with subcortical infarcts and leukoencephalopathy, type 1 (CADASIL1). Also called: DEMENTIA, HEREDITARY MULTIINFARCT TYPE; CADASIL 1; CASIL; Cerebral arteriopathy with subcortical infarcts and leukoencephalopathy 1. Identifiers: Orphanet 136, MedGen C4551768, MONDO:0000914, OMIM 125310.

Submissions (2):

3billion
Classification: Likely pathogenic for Cerebral arteriopathy, autosomal dominant, with subcortical infarcts and leukoencephalopathy, type 1. Last evaluated: 2024-06-12. Review status: criteria provided, single submitter. Criteria: ACMG Guidelines, 2015. Collection method: clinical testing. Allele origin: germline. Affected: yes.
Comment: The variant is not observed in the gnomAD v4.0.0 dataset. Predicted Consequence/Location: The variant is located in a mutational hot spot and/or well-established functional domain in which established pathogenic variants have been reported (PMID: 35822697). Missense changes are a common disease-causing mechanism. In silico tool predictions suggest damaging effect of the variant on gene or gene product [REVEL: 0.97 (>=0.6, sensitivity 0.68 and specificity 0.92); 3Cnet: 0.73 (>=0.6, sensitivity 0.72 and precision 0.9)]. The same nucleotide change resulting in the same amino acid change has been previously reported to be associated with NOTCH3 related disorder (ClinVar ID: VCV001678547).A different missense change at the same codon (p.Cys559Trp) has been reported to be associated with NOTCH3 related disorder (PMID: 28710804). Therefore, this variant is classified as Likely pathogenic according to the recommendation of ACMG/AMP guideline.

Molecular Genetics, Royal Melbourne Hospital
Classification: Likely pathogenic for Cerebral arteriopathy, autosomal dominant, with subcortical infarcts and leukoencephalopathy, type 1. Last evaluated: 2020-03-10. Review status: criteria provided, single submitter. Criteria: ACMG Guidelines, 2015. Collection method: clinical testing. Allele origin: germline. Affected: yes.
Comment: This sequence change is predicted to replace cysteine with tyrosine at codon 559 of the NOTCH3 protein (p.Cys559Tyr). The cysteine residue is highly conserved (100 vertebrates, UCSC), and there is a large physicochemical difference between cysteine and tyrosine. The variant is a cysteine-altering missense substitution in the EGF-like repeat domain 14 (PM1). It is absent in a large population cohort (gnomAD v2.1 - PM2), and has not been reported in the relevant medical literature or databases. Multiple lines of computational evidence predict a deleterious effect for the missense substitution (4/4 algorithms - PP3). A likely pathogenic missense change at the same position (p.Cys559Trp) has been seen in a case with CADASIL (PMID: 28710804 - PM5). Based on the classification scheme RMH ACMG Guidelines v1.2.1, this variant is classified as LIKELY PATHOGENIC. Following criteria are met: PM1, PM2, PM5, PP3.

Literature cited by the submitters: PubMed 28710804 (cited by 3billion and Molecular Genetics, Royal Melbourne Hospital); PubMed 35822697 (cited by 3billion).